The following is an entry in ClinVar:

NC_000001.10:g.(?_9779694)_(9781917_?)del

Gene: PIK3CD (phosphatidylinositol-4,5-bisphosphate 3-kinase catalytic subunit delta; plus strand). Cytogenetic location: 1p36.22.
Variant type: Deletion.
Identifiers: ClinVar variation 3247823 (VCV003247823.1).

ClinVar aggregate classification (germline): Uncertain significance (1 of 4 stars; one submission).

Conditions:
Immunodeficiency 14 (IMD14A). Also called: IMMUNODEFICIENCY 14A WITH LYMPHOPROLIFERATION, AUTOSOMAL DOMINANT; ACTIVATED PI3K-DELTA SYNDROME 1; Activated PI3K Delta Syndrome Type 1 (APDS1); p110-DELTA-ACTIVATING MUTATION CAUSING SENESCENT T CELLS, LYMPHADENOPATHY, AND IMMUNODEFICIENCY. Identifiers: Orphanet 397596, Orphanet 693661, MedGen C5907821, MONDO:0014222, OMIM 615513.

Submission:

Labcorp Genetics (formerly Invitae), Labcorp
Classification: Uncertain significance for Activated PI3K-delta syndrome. Last evaluated: 2023-09-11. Review status: criteria provided, single submitter. Criteria: Invitae Variant Classification Sherloc (09022015). Collection method: clinical testing. Allele origin: unknown.
Comment: This variant results in the deletion of exons 10-15 and part of exon 16 (c.1243-285_2054) of the PIK3CD gene. It is expected to disrupt RNA splicing. Variants that disrupt the donor or acceptor splice site typically lead to a loss of protein function (PMID: 16199547), however the current clinical and genetic evidence is not sufficient to establish whether loss-of-function variants in PIK3CD cause disease. This variant has not been reported in the literature in individuals affected with PIK3CD-related conditions. In summary, the available evidence is currently insufficient to determine the role of this variant in disease. Therefore, it has been classified as a Variant of Uncertain Significance.

Literature cited by the submitters: PubMed 16199547.